The following is an entry in ClinVar:

NM_001366145.2(TRPM3):c.4317C>T (p.Gly1439=)

Genes: KLF9-DT (KLF9 divergent transcript; plus strand), TRPM3 (transient receptor potential cation channel subfamily M member 3; minus strand). Cytogenetic location: 9q21.12.
Variant type: single nucleotide variant.
Coding change: c.4317C>T on transcript NM_001366145.2 (MANE Select); coding-DNA position 4317, C replaced by T.
Protein change: p.Gly1439=; no amino-acid change (glycine 1439 retained).
Molecular consequence: synonymous variant. On other transcripts: intron variant (8).
Genome position (GRCh38, 1-based): chr9:70,536,796, G>A on the plus strand (C>T on the coding strand, the complement: TRPM3 is on the minus strand). VCF-style: chr9-70536796-G-A. GRCh37 (hg19) VCF-style: chr9-73151712-G-A.
Other names: c.4281C>T, p.Gly1427= (NM_001007471.4); c.4287C>T, p.Gly1429= (NM_001366141.2, NM_001366149.2); c.4392C>T, p.Gly1464= (NM_001366147.2); c.3822C>T, p.Gly1274= (NM_020952.6); c.3858C>T, p.Gly1286= (NM_024971.7); c.3792C>T, p.Gly1264= (NM_206944.5); c.3828C>T, p.Gly1276= (NM_206945.5); c.3897C>T, p.Gly1299= (NM_206946.5); and 9 more.
Identifiers: ClinVar variation 3042958 (VCV003042958.8), dbSNP rs188032279, ClinGen allele CA5077833.

ClinVar aggregate classification (germline): Likely benign. Review status: criteria provided, single submitter (1 of 4 stars). 2 submissions from 2 submitters: Likely benign (1). 1 of the submissions does not count toward it. Last evaluated 2025-11-01.

Conditions:
TRPM3-related disorder. Also called: TRPM3-related condition.

Allele frequency attached by ClinVar (database versions not stated): gnomAD 0.00007; TOPMed 0.00009; 1000 Genomes Project 30x 0.00016; 1000 Genomes Project 0.00020.
gnomAD v4.1: 61 of 1,614,112 alleles (0.0038%); highest among the groups gnomAD compares: African/African-American, 0.025%; no homozygotes.

Submissions (2):

CeGaT Center for Human Genetics Tuebingen
Classification: Likely benign. Last evaluated: 2025-11-01. Review status: criteria provided, single submitter. Criteria: CeGaT Center For Human Genetics Tuebingen Variant Classification Criteria Version 2. Collection method: clinical testing. Allele origin: germline. Affected: yes. Observed: 1 variant allele.
Comment: TRPM3: BP4, BP7

PreventionGenetics, part of Exact Sciences
Classification: Likely benign for TRPM3-related condition. Last evaluated: 2019-06-24. Review status: no assertion criteria provided. Collection method: clinical testing. Allele origin: germline. Not counted in ClinVar's aggregate classification.
Comment: This variant is classified as likely benign based on ACMG/AMP sequence variant interpretation guidelines (Richards et al. 2015 PMID: 25741868, with internal and published modifications).